The following is an entry in ClinVar:

NM_004465.2(FGF10):c.344C>T (p.Ser115Leu)

Gene: FGF10 (fibroblast growth factor 10; minus strand). Cytogenetic location: 5p12.
Variant type: single nucleotide variant.
Coding change: c.344C>T on transcript NM_004465.2 (MANE Select); coding-DNA position 344, C replaced by T.
Protein change: p.Ser115Leu; replaces serine 115 with leucine.
Molecular consequence: missense variant.
Genome position (GRCh38, 1-based): chr5:44,310,512, G>A on the plus strand (C>T on the coding strand, the complement: FGF10 is on the minus strand). VCF-style: chr5-44310512-G-A. GRCh37 (hg19) VCF-style: chr5-44310614-G-A.
Other names: short protein forms S115L.
Identifiers: ClinVar variation 3655885 (VCV003655885.2).

ClinVar aggregate classification (germline): Uncertain significance (1 of 4 stars; one submission).

Submission:

Labcorp Genetics (formerly Invitae), Labcorp
Classification: Uncertain significance. Last evaluated: 2024-06-08. Review status: criteria provided, single submitter. Criteria: Invitae Variant Classification Sherloc (09022015). Collection method: clinical testing. Allele origin: germline.
Comment: This sequence change replaces serine, which is neutral and polar, with leucine, which is neutral and non-polar, at codon 115 of the FGF10 protein (p.Ser115Leu). This variant is not present in population databases (gnomAD no frequency). This variant has not been reported in the literature in individuals affected with FGF10-related conditions. An algorithm developed to predict the effect of missense changes on protein structure and function (PolyPhen-2) suggests that this variant is likely to be disruptive. In summary, the available evidence is currently insufficient to determine the role of this variant in disease. Therefore, it has been classified as a Variant of Uncertain Significance.